The following is an entry in ClinVar:

ClinVar aggregate classification (germline): Uncertain significance. Review status: criteria provided, multiple submitters, no conflicts (2 of 4 stars). 2 submissions from 2 submitters: Uncertain significance (2). Last evaluated 2025-11-03.

Conditions:
Inborn genetic diseases. Identifiers: MedGen C0950123, MeSH D030342.

gnomAD v4.1: 11 of 1,614,006 alleles (0.00068%); highest among the groups gnomAD compares: African/African-American, 0.0067%; no homozygotes.

Submissions (2):

Labcorp Genetics (formerly Invitae), Labcorp
Classification: Uncertain significance. Last evaluated: 2025-11-03. Review status: criteria provided, single submitter. Criteria: Invitae Variant Classification Sherloc (09022015). Collection method: clinical testing. Allele origin: germline.
Comment: This sequence change replaces glycine, which is neutral and non-polar, with arginine, which is basic and polar, at codon 48 of the ANKRD26 protein (p.Gly48Arg). This variant is present in population databases (rs200494146, gnomAD 0.01%). This variant has not been reported in the literature in individuals affected with ANKRD26-related conditions. ClinVar contains an entry for this variant (Variation ID: 3712777). An algorithm developed to predict the effect of missense changes on protein structure and function outputs the following: PolyPhen-2: "Benign". The arginine amino acid residue is found in multiple mammalian species, which suggests that this missense change does not adversely affect protein function. In summary, the available evidence is currently insufficient to determine the role of this variant in disease. Therefore, it has been classified as a Variant of Uncertain Significance.

Ambry Genetics
Classification: Uncertain significance for Inborn genetic diseases. Last evaluated: 2024-12-13. Review status: criteria provided, single submitter. Criteria: Ambry Variant Classification Scheme 2023. Collection method: clinical testing. Allele origin: germline.
Comment: The p.G48R variant (also known as c.142G>C), located in coding exon 1 of the ANKRD26 gene, results from a G to C substitution at nucleotide position 142. The glycine at codon 48 is replaced by arginine, an amino acid with dissimilar properties. This amino acid position is conserved. In addition, this alteration is predicted to be tolerated by in silico analysis. Based on the available evidence, the clinical significance of this variant remains unclear.

NM_014915.3(ANKRD26):c.142G>C (p.Gly48Arg)

Genes: ANKRD26 (ankyrin repeat domain 26; minus strand), LOC130003554 (ATAC-STARR-seq lymphoblastoid silent region 2243; plus strand). Cytogenetic location: 10p12.1.
Variant type: single nucleotide variant.
Coding change: c.142G>C on transcript NM_014915.3 (MANE Select); coding-DNA position 142, G replaced by C.
Protein change: p.Gly48Arg; replaces glycine 48 with arginine.
Molecular consequence: missense variant.
Genome position (GRCh38, 1-based): chr10:27,100,185, C>G on the plus strand (G>C on the coding strand, the complement: ANKRD26 is on the minus strand). VCF-style: chr10-27100185-C-G. GRCh37 (hg19) VCF-style: chr10-27389114-C-G.
Other names: c.142G>C, p.Gly48Arg (NM_001256053.2); short protein forms G48R.
Identifiers: ClinVar variation 3712777 (VCV003712777.3).